The following is an entry in ClinVar:

ClinVar aggregate classification (germline): Likely benign (0 of 4 stars; one submission).

Conditions:
DLL1-related disorder. Also called: DLL1-related condition.

Allele frequency attached by ClinVar (database versions not stated): gnomAD 0.00002; gnomAD exomes 0.00002; TOPMed 0.00005; ExAC 0.00006; ESP Exome Variant Server 0.00015.
gnomAD v4.1: 30 of 1,599,102 alleles (0.0019%); highest among the groups gnomAD compares: East Asian, 0.0068%; no homozygotes.

Submission:

PreventionGenetics, part of Exact Sciences
Classification: Likely benign for DLL1-related condition. Last evaluated: 2019-09-18. Review status: no assertion criteria provided. Collection method: clinical testing. Allele origin: germline.
Comment: This variant is classified as likely benign based on ACMG/AMP sequence variant interpretation guidelines (Richards et al. 2015 PMID: 25741868, with internal and published modifications).

NM_005618.4(DLL1):c.1356C>T (p.Cys452=)

Gene: DLL1 (delta like canonical Notch ligand 1; minus strand). Cytogenetic location: 6q27.
Variant type: single nucleotide variant.
Coding change: c.1356C>T on transcript NM_005618.4 (MANE Select); coding-DNA position 1356, C replaced by T.
Protein change: p.Cys452=; no amino-acid change (cysteine 452 retained).
Molecular consequence: synonymous variant.
Genome position (GRCh38, 1-based): chr6:170,283,923, G>A on the plus strand (C>T on the coding strand, the complement: DLL1 is on the minus strand). VCF-style: chr6-170283923-G-A. GRCh37 (hg19) VCF-style: chr6-170593011-G-A.
Identifiers: ClinVar variation 3040225 (VCV003040225.2), dbSNP rs148319460, ClinGen allele CA4106847.